The following is an entry in ClinVar:

ClinVar aggregate classification (germline): Benign/Likely benign. Review status: criteria provided, multiple submitters, no conflicts (2 of 4 stars). 3 submissions from 3 submitters: Benign (2); Likely benign (1). Last evaluated 2025-12-15.

Allele frequency attached by ClinVar (database versions not stated): ExAC 0.00078; gnomAD 0.00221 and 0.00224; ESP Exome Variant Server 0.00231; 1000 Genomes Project 0.00319; 1000 Genomes Project 30x 0.00344.
gnomAD v4.1: 645 of 1,614,238 alleles (0.04%); highest among the groups gnomAD compares: African/African-American, 0.66%; 5 homozygotes.

Submissions (3):

Labcorp Genetics (formerly Invitae), Labcorp
Classification: Benign. Last evaluated: 2025-12-15. Review status: criteria provided, single submitter. Criteria: Invitae Variant Classification Sherloc (09022015). Collection method: clinical testing. Allele origin: germline.

Mayo Clinic Laboratories, Mayo Clinic
Classification: Benign. Last evaluated: 2025-04-29. Review status: criteria provided, single submitter. Criteria: ACMG Guidelines, 2015. Collection method: clinical testing. Allele origin: germline. Observed: 1 variant allele.
Comment: BA1, BP4, BP7

Blueprint Genetics
Classification: Likely benign. Last evaluated: 2024-11-06. Review status: criteria provided, single submitter. Criteria: ACMG Guidelines, 2015. Collection method: clinical testing. Allele origin: germline.

NM_015378.4(VPS13D):c.3666T>C (p.Leu1222=)

Gene: VPS13D (vacuolar protein sorting 13 homolog D; plus strand). Cytogenetic location: 1p36.22.
Variant type: single nucleotide variant.
Coding change: c.3666T>C on transcript NM_015378.4 (MANE Select); coding-DNA position 3666, T replaced by C.
Protein change: p.Leu1222=; no amino-acid change (leucine 1222 retained).
Molecular consequence: synonymous variant.
Genome position (GRCh38, 1-based): chr1:12,277,254, T>C. VCF-style: chr1-12277254-T-C. GRCh37 (hg19) VCF-style: chr1-12337311-T-C.
Other names: p.Leu1222=; c.3666T>C, p.Leu1222= (NM_018156.4).
Identifiers: ClinVar variation 1564529 (VCV001564529.10), dbSNP rs147205990, ClinGen allele CA602005.